The following is an entry in ClinVar:

ClinVar aggregate classification (germline): Uncertain significance (1 of 4 stars; one submission).

Conditions:
Encephalopathy, acute, infection-induced (herpes-specific), susceptibility to, 1. Also called: Herpes simplex encephalitis, susceptibility to, 1. Identifiers: Orphanet 1930, MedGen C2750180, MONDO:0024563, OMIM 610551.

Allele frequency attached by ClinVar (database versions not stated): gnomAD exomes below 0.00001.
gnomAD v4.1: 1 of 1,614,058 alleles (0.000062%); highest among the groups gnomAD compares: Non-Finnish European, 0.000085%; no homozygotes.

Submission:

Labcorp Genetics (formerly Invitae), Labcorp
Classification: Uncertain significance for Encephalopathy, acute, infection-induced (herpes-specific), susceptibility to, 1. Last evaluated: 2023-08-27. Review status: criteria provided, single submitter. Criteria: Invitae Variant Classification Sherloc (09022015). Collection method: clinical testing. Allele origin: germline.
Comment: An algorithm developed to predict the effect of missense changes on protein structure and function (PolyPhen-2) suggests that this variant is likely to be tolerated. ClinVar contains an entry for this variant (Variation ID: 845866). This variant has not been reported in the literature in individuals affected with TLR3-related conditions. This variant is not present in population databases (gnomAD no frequency). This sequence change replaces leucine, which is neutral and non-polar, with proline, which is neutral and non-polar, at codon 343 of the TLR3 protein (p.Leu343Pro). In summary, the available evidence is currently insufficient to determine the role of this variant in disease. Therefore, it has been classified as a Variant of Uncertain Significance.

NM_003265.3(TLR3):c.1028T>C (p.Leu343Pro)

Gene: TLR3 (toll like receptor 3; plus strand). Cytogenetic location: 4q35.1.
Variant type: single nucleotide variant.
Coding change: c.1028T>C on transcript NM_003265.3 (MANE Select); coding-DNA position 1028, T replaced by C.
Protein change: p.Leu343Pro; replaces leucine 343 with proline.
Molecular consequence: missense variant.
Genome position (GRCh38, 1-based): chr4:186,082,714, T>C. VCF-style: chr4-186082714-T-C. GRCh37 (hg19) VCF-style: chr4-187003868-T-C.
Other names: short protein forms L343P.
Identifiers: ClinVar variation 845866 (VCV000845866.10), dbSNP rs2099303744, ClinGen allele CA358930690.